The following is an entry in ClinVar:

ClinVar aggregate classification (germline): Uncertain significance (1 of 4 stars; one submission).

Conditions:
Intellectual developmental disorder, autosomal dominant 72 (MRD72). Identifiers: Orphanet 652487, MedGen C5830612, MONDO:0957397, OMIM 620439.

Submission:

Laboratorio de Genetica e Diagnostico Molecular, Hospital Israelita Albert Einstein
Classification: Uncertain significance for Intellectual developmental disorder, autosomal dominant 72. Last evaluated: 2024-03-28. Review status: criteria provided, single submitter. Criteria: ACMG Guidelines, 2015. Collection method: clinical testing. Allele origin: germline. Affected: yes.
Comment: ACMG classification criteria: PM2 supporting, BP4 supporting

NM_016333.4(SRRM2):c.6471G>A (p.Met2157Ile)

Gene: SRRM2 (serine/arginine repetitive matrix 2; plus strand). Cytogenetic location: 16p13.3.
Variant type: single nucleotide variant.
Coding change: c.6471G>A on transcript NM_016333.4 (MANE Select); coding-DNA position 6471, G replaced by A.
Protein change: p.Met2157Ile; replaces methionine 2157 with isoleucine.
Molecular consequence: missense variant.
Genome position (GRCh38, 1-based): chr16:2,766,999, G>A. VCF-style: chr16-2766999-G-A. GRCh37 (hg19) VCF-style: chr16-2817000-G-A.
Other names: short protein forms M2157I.
Identifiers: ClinVar variation 4076223 (VCV004076223.1).